The following is an entry in ClinVar:

NM_000329.3(RPE65):c.440_441del (p.Thr147fs)

Gene: RPE65 (retinoid isomerohydrolase RPE65; minus strand). Cytogenetic location: 1p31.3.
Variant type: Microsatellite.
Coding change: c.440_441del on transcript NM_000329.3 (MANE Select); coding-DNA positions 440 to 441, 2 bases deleted (CA; older notation c.440_441delCA).
Protein change: p.Thr147fs; shifts the reading frame from threonine 147.
Molecular consequence: frameshift variant.
Genome position (GRCh38, 1-based): chr1:68,444,585-68,444,586, TG deleted on the plus strand (CA on the coding strand, the reverse complement: RPE65 is on the minus strand); deleting any 2 consecutive bases within chr1:68,444,585-68,444,588 gives the same sequence; the c. name uses the placement nearest the transcript's 3' end. VCF-style (leftmost placement, unchanged base first): chr1-68444584-CTG-C. GRCh37 (hg19) VCF-style: chr1-68910267-CTG-C.
Other names: NM_000329.3(RPE65):c.440_441del; p.Thr147fs; c.440_441delCA (NM_000329.2); short protein forms T147fs.
Identifiers: ClinVar variation 973965 (VCV000973965.14), dbSNP rs1201299067, ClinGen allele CA523301794.

ClinVar aggregate classification (germline): Pathogenic. Review status: reviewed by expert panel (3 of 4 stars). 7 submissions from 7 submitters: Pathogenic (1). 6 of the submissions do not count toward it. Last evaluated 2025-06-30.

Conditions:
Leber congenital amaurosis (LCA). Also called: Leber's amaurosis. Identifiers: Orphanet 65, MedGen C0339527, MeSH D057130, MONDO:0018998.
Leber congenital amaurosis 2 (LCA2). Also called: AMAUROSIS CONGENITA OF LEBER II; Autosomal Recessive RPE65-Related Retinal Degeneration. Identifiers: Orphanet 65, MedGen C1859844, MONDO:0008765, OMIM 204100. Disease mechanism: loss of function.
RPE65-related recessive retinopathy. Also called: Recessive RPE65 retinopathy. Identifiers: MedGen CN305526, MONDO:0100368.
Retinitis pigmentosa 87 with choroidal involvement. Identifiers: MedGen C5231465, MONDO:0032873, OMIM 618697.
Retinitis pigmentosa 20 (RP20). Identifiers: Orphanet 791, MedGen C3151086, MONDO:0013425, OMIM 613794.

Submissions (7):

ClinGen Leber Congenital Amaurosis/early Onset Retinal Dystrophy Variant Curation Expert Panel, ClinGen
Classification: Pathogenic for RPE65-related recessive retinopathy. Last evaluated: 2025-06-30. Review status: reviewed by expert panel. Criteria: ClinGen LCAeoRD ACMG Specifications RPE65 V1.0.0. Collection method: curation. Allele origin: germline. Inheritance: Autosomal recessive inheritance.
Comment: NM_000329.3(RPE65):c.440_441del (p.Thr147ArgfsTer9) is a frameshift variant that introduces a premature stop codon into exon 5 of 14, and is predicted to lead to nonsense-mediated decay in a gene in which loss-of-function is an established mechanism of disease (PVS1). This variant is present in gnomAD v.4.1.0 at a GrpMax allele frequency of 0.000008030, with 16 alleles / 1,180,016 total alleles in the European (non-Finnish) population, which is lower than the ClinGen LCA / eoRD VCEP PM2_Supporting threshold of <0.0002 (PM2_Supporting). This variant has been reported in at least 1 proband with early-onset severe retinal dystrophy who was homozygous for the variant (0.5 points, PMID: 17724218) and in an LCA patient who was compound heterozygous with the p.Asp483del variant confirmed in trans (0.25 points, PMID: 9033008) which has not been classified by the ClinGen LCA / eoRD VCEP. (0.75 pts, PM3_Supporting). In summary, this variant meets the criteria to be classified as pathogenic for RPE65-related recessive retinopathy based on the ACMG/AMP criteria applied, as specified by the ClinGen LCA/eoRD VCEP: PVS1, PM2_Supporting, and PM3_Supporting. (VCEP specifications version 1.0.0; date of approval 09/21/2023).

Labcorp Genetics (formerly Invitae), Labcorp
Classification: Pathogenic for Leber congenital amaurosis 2; Retinitis pigmentosa 20. Last evaluated: 2026-01-14. Review status: criteria provided, single submitter. Criteria: Invitae Variant Classification Sherloc (09022015). Collection method: clinical testing. Allele origin: germline. Not counted in ClinVar's aggregate classification.
Comment: This sequence change creates a premature translational stop signal (p.Thr147Argfs*9) in the RPE65 gene. It is expected to result in an absent or disrupted protein product. Loss-of-function variants in RPE65 are known to be pathogenic (PMID: 9326941, 9501220, 9843205, 18632300). This variant is present in population databases (no rsID available, gnomAD 0.0009%). This premature translational stop signal has been observed in individual(s) with clinical features of Leber congenital amaurosis (PMID: 17724218). This variant is also known as c.438-439delCA. ClinVar contains an entry for this variant (Variation ID: 973965). Algorithms developed to predict the effect of sequence changes on RNA splicing suggest that this variant may disrupt the consensus splice site. For these reasons, this variant has been classified as Pathogenic.

Natera, Inc.
Classification: Pathogenic for Leber congenital amaurosis. Last evaluated: 2025-08-19. Review status: criteria provided, single submitter. Criteria: Natera Variant Classification Schema (03/2026). Collection method: clinical testing. Allele origin: germline. Not counted in ClinVar's aggregate classification.
Comment: The c.440_441delCA variant in RPE65 is a frameshift variant predicted to shift the reading frame beginning at codon 147 and leads to a stop codon 9 codons downstream. This variant is expected to result in nonsense mediated decay, truncation, or a dysfunctional protein product. This variant is rare in the general population with a frequency below the threshold expected for the associated phenotype(s). This variant has been observed in one or more individuals affected with the associated recessive disease, as either homozygous or compound heterozygous with a second variant (PMID: 35129589, 17724218). Given the available evidence, this variant is classified as Pathogenic.

Myriad Genetics, Inc.
Classification: Pathogenic for RPE65-related recessive retinopathy. Last evaluated: 2024-05-14. Review status: criteria provided, single submitter. Criteria: Myriad Autosomal Dominant, Autosomal Recessive and X-Linked Classification Criteria (2023). Collection method: clinical testing. Allele origin: unknown. Not counted in ClinVar's aggregate classification.
Comment: NM_000329.2(RPE65):c.440_441delCA(T147Rfs*9) is expected to be pathogenic in the context of inherited retinal dystrophy, RPE65-related. This variant is predicted to lead to an abnormal or absent protein product due to the creation of a premature termination codon in RPE65, a gene where loss-of-function variants are known to be pathogenic. Please note: this variant was assessed in the context of healthy population screening.

Fulgent Genetics
Classification: Pathogenic for Leber congenital amaurosis 2; Retinitis pigmentosa 20; Retinitis pigmentosa 87 with choroidal involvement. Last evaluated: 2024-04-30. Review status: criteria provided, single submitter. Criteria: ACMG Guidelines, 2015. Collection method: clinical testing. Allele origin: germline. Not counted in ClinVar's aggregate classification.

Baylor Genetics
Classification: Pathogenic for Leber congenital amaurosis 2. Last evaluated: 2024-03-18. Review status: criteria provided, single submitter. Criteria: ACMG Guidelines, 2015. Collection method: clinical testing. Allele origin: unknown. Not counted in ClinVar's aggregate classification.

Laboratory of Genetics in Ophthalmology, Institut Imagine
Classification: Pathogenic for Leber congenital amaurosis 2. Review status: no assertion criteria provided. Collection method: research. Allele origin: inherited. Affected: yes. Observed: 1 variant allele. Not counted in ClinVar's aggregate classification.

Literature cited by the submitters: PubMed 9326941 (cited by Labcorp Genetics (formerly Invitae), Labcorp); PubMed 9501220 (cited by Labcorp Genetics (formerly Invitae), Labcorp); PubMed 9843205 (cited by Labcorp Genetics (formerly Invitae), Labcorp); PubMed 18632300 (cited by Labcorp Genetics (formerly Invitae), Labcorp); PubMed 17724218 (cited by 3 submitters); PubMed 35129589 (cited by Natera, Inc.).